The following is an entry in ClinVar:

NM_001297595.2(SIN3B):c.1266+354G>A

Gene: SIN3B (SIN3 transcription regulator family member B; plus strand). Cytogenetic location: 19p13.11.
Variant type: single nucleotide variant.
Coding change: c.1266+354G>A on transcript NM_001297595.2 (MANE Select); 354 bases into the intron after coding-DNA position 1266, G replaced by A.
Molecular consequence: intron variant. On other transcripts: synonymous variant (1).
Genome position (GRCh38, 1-based): chr19:16,862,913, G>A. VCF-style: chr19-16862913-G-A. GRCh37 (hg19) VCF-style: chr19-16973724-G-A.
Other names: c.1296G>A, p.Ser432= (NM_015260.4).
Identifiers: ClinVar variation 773775 (VCV000773775.20), dbSNP rs143287291, ClinGen allele CA9283106.
Genomic context (GRCh38, chr19:16,862,913, plus strand): 5'-GGCTCACTGACCTCAGTGTGTTTCTGTTTAGCTTGACCATTGGACACTTCTCCAGGGTTC[G>A]TGGACAGACGATTACTGCATGTCCAAGTTCAAGAATACCTGCTGGATTCCAGGATATAGT-3'

ClinVar aggregate classification (germline): Benign. Review status: criteria provided, multiple submitters, no conflicts (2 of 4 stars). 3 submissions from 3 submitters: Benign (3). Last evaluated 2026-09-01.

Allele frequency attached by ClinVar (database versions not stated): 1000 Genomes Project 0.00439; 1000 Genomes Project 30x 0.00453; TOPMed 0.00651; gnomAD 0.00662 and 0.00670; ESP Exome Variant Server 0.00730; ExAC 0.00778; gnomAD exomes 0.00779 and 0.00865.
gnomAD v4.1: 13,724 of 1,614,110 alleles (0.85%); highest among the groups gnomAD compares: Middle Eastern, 1.8%; 78 homozygotes.

Submissions (3):

CeGaT Center for Human Genetics Tuebingen
Classification: Benign. Last evaluated: 2026-09-01. Review status: criteria provided, single submitter. Criteria: CeGaT Center For Human Genetics Tuebingen Variant Classification Criteria Version 2. Collection method: clinical testing. Allele origin: germline. Affected: yes. Observed: 6 variant alleles.
Comment: SIN3B: BP4, BP7, BS1, BS2

Labcorp Genetics (formerly Invitae), Labcorp
Classification: Benign. Last evaluated: 2017-08-14. Review status: criteria provided, single submitter. Criteria: Invitae Variant Classification Sherloc (09022015). Collection method: clinical testing. Allele origin: germline.

Breakthrough Genomics
Classification: Benign. Review status: criteria provided, single submitter. Criteria: ACMG Guidelines, 2015. Collection method: not provided. Allele origin: germline. Inheritance: Unknown mechanism. Affected: yes.